The following is an entry in ClinVar:

NM_003072.5(SMARCA4):c.1395G>C (p.Glu465Asp)

Gene: SMARCA4 (SWI/SNF related BAF chromatin remodeling complex subunit ATPase 4; plus strand). Cytogenetic location: 19p13.2.
Variant type: single nucleotide variant.
Coding change: c.1395G>C on transcript NM_003072.5 (MANE Select); coding-DNA position 1395, G replaced by C.
Protein change: p.Glu465Asp; replaces glutamic acid 465 with aspartic acid.
Molecular consequence: missense variant. On other transcripts: non-coding transcript variant (1).
Genome position (GRCh38, 1-based): chr19:10,991,299, G>C. VCF-style: chr19-10991299-G-C. GRCh37 (hg19) VCF-style: chr19-11101975-G-C.
Other names: c.1395G>C, p.Glu465Asp (NM_001128844.3, NM_001128845.2, NM_001128846.2 and 6 more transcripts); short protein forms E465D.
Identifiers: ClinVar variation 3445999 (VCV003445999.1).

ClinVar aggregate classification (germline): Uncertain significance (1 of 4 stars; one submission).

Conditions:
Hereditary cancer-predisposing syndrome. Also called: Tumor predisposition; Neoplastic Syndromes, Hereditary; Hereditary neoplastic syndrome; Hereditary Cancer Syndrome. Identifiers: Orphanet 140162, MedGen C0027672, MeSH D009386, MONDO:0015356.

Submission:

Ambry Genetics
Classification: Uncertain significance for Hereditary cancer-predisposing syndrome. Last evaluated: 2024-09-08. Review status: criteria provided, single submitter. Criteria: Ambry Variant Classification Scheme 2023. Collection method: clinical testing. Allele origin: germline.
Comment: The p.E465D variant (also known as c.1395G>C), located in coding exon 7 of the SMARCA4 gene, results from a G to C substitution at nucleotide position 1395. The glutamic acid at codon 465 is replaced by aspartic acid, an amino acid with highly similar properties. This amino acid position is conserved. In addition, this alteration is predicted to be tolerated by in silico analysis. Based on the available evidence, the clinical significance of this variant remains unclear.